The following is an entry in ClinVar:

ClinVar aggregate classification (germline): Pathogenic (1 of 4 stars; one submission).

Conditions:
Werner syndrome (WRN). Identifiers: Orphanet 902, MedGen C0043119, MONDO:0010196, OMIM 277700.

Submission:

Labcorp Genetics (formerly Invitae), Labcorp
Classification: Pathogenic for Werner syndrome. Last evaluated: 2023-06-09. Review status: criteria provided, single submitter. Criteria: Invitae Variant Classification Sherloc (09022015). Collection method: clinical testing. Allele origin: unknown.
Comment: This variant is a gross deletion of the genomic region encompassing exon(s) 10-13 of the WRN gene. This deletion is out-of-frame, and is expected to create a premature termination codon and result in an absent or disrupted protein product. Loss-of-function variants in WRN are known to be pathogenic (PMID: 16673358). For these reasons, this variant has been classified as Pathogenic. This variant has not been reported in the literature in individuals affected with WRN-related conditions.

Literature cited by the submitters: PubMed 16673358.

NC_000008.10:g.(?_30941205)_(30946501_?)del

Gene: WRN (WRN RecQ like helicase; plus strand). Cytogenetic location: 8p12.
Variant type: Deletion.
Identifiers: ClinVar variation 3245417 (VCV003245417.1).